The following is an entry in ClinVar:

ClinVar aggregate classification (germline): Likely benign. Review status: criteria provided, multiple submitters, no conflicts (2 of 4 stars). 4 submissions from 4 submitters: Likely benign (3). 1 of the submissions does not count toward it. Last evaluated 2025-01-25.

Conditions:
Inborn genetic diseases. Identifiers: MedGen C0950123, MeSH D030342.
SAMD9-related disorder. Also called: SAMD9-related condition.

Allele frequency attached by ClinVar (database versions not stated): gnomAD exomes below 0.00001; gnomAD 0.00001.
gnomAD v4.1: 3 of 1,613,910 alleles (0.00019%); highest among the groups gnomAD compares: Non-Finnish European, 0.00017%; no homozygotes.

Submissions (4):

Ambry Genetics
Classification: Likely benign for Inborn genetic diseases. Last evaluated: 2025-01-25. Review status: criteria provided, single submitter. Criteria: Ambry Variant Classification Scheme 2023. Collection method: clinical testing. Allele origin: germline.

Labcorp Genetics (formerly Invitae), Labcorp
Classification: Likely benign. Last evaluated: 2023-09-08. Review status: criteria provided, single submitter. Criteria: Invitae Variant Classification Sherloc (09022015). Collection method: clinical testing. Allele origin: germline.

Blueprint Genetics
Classification: Likely benign. Last evaluated: 2022-06-22. Review status: criteria provided, single submitter. Criteria: ACMG Guidelines, 2015. Collection method: clinical testing. Allele origin: germline.

PreventionGenetics, part of Exact Sciences
Classification: Likely benign for SAMD9-related condition. Last evaluated: 2024-01-22. Review status: no assertion criteria provided. Collection method: clinical testing. Allele origin: germline. Not counted in ClinVar's aggregate classification.
Comment: This variant is classified as likely benign based on ACMG/AMP sequence variant interpretation guidelines (Richards et al. 2015 PMID: 25741868, with internal and published modifications).

NM_017654.4(SAMD9):c.1632A>G (p.Leu544=)

Gene: SAMD9 (sterile alpha motif domain containing 9; minus strand). Cytogenetic location: 7q21.2.
Variant type: single nucleotide variant.
Coding change: c.1632A>G on transcript NM_017654.4 (MANE Select); coding-DNA position 1632, A replaced by G.
Protein change: p.Leu544=; no amino-acid change (leucine 544 retained).
Molecular consequence: synonymous variant.
Genome position (GRCh38, 1-based): chr7:93,104,466, T>C on the plus strand (A>G on the coding strand, the complement: SAMD9 is on the minus strand). VCF-style: chr7-93104466-T-C. GRCh37 (hg19) VCF-style: chr7-92733779-T-C.
Other names: c.1632A>G, p.Leu544= (NM_001193307.2); c.1632A>G (NM_017654.3).
Identifiers: ClinVar variation 2911164 (VCV002911164.7), dbSNP rs1296671680, ClinGen allele CA456626599.